The following is an entry in ClinVar:

ClinVar aggregate classification (germline): Uncertain significance. Review status: criteria provided, multiple submitters, no conflicts (2 of 4 stars). 2 submissions from 2 submitters: Uncertain significance (2). Last evaluated 2024-03-06.

Conditions:
Familial thoracic aortic aneurysm and aortic dissection (TAAD). Also called: Thoracic aortic aneurysms and dissections. Identifiers: Orphanet 91387, MedGen C4707243, MONDO:0019625.
Marfan syndrome (MFS). Also called: Marfan syndrome, classic; Marfan syndrome type 1; Marfan's syndrome; FBN1-Related Marfan Syndrome; MARFAN SYNDROME, TYPE I. Identifiers: Orphanet 284963, Orphanet 558, MedGen C0024796, MONDO:0007947, OMIM 154700.

Allele frequency attached by ClinVar (database versions not stated): gnomAD exomes below 0.00001.
gnomAD v4.1: 2 of 1,614,042 alleles (0.00012%); highest among the groups gnomAD compares: Non-Finnish European, 0.000085%; no homozygotes.

Submissions (2):

Color Diagnostics, LLC DBA Color Health
Classification: Uncertain significance for Familial thoracic aortic aneurysm and aortic dissection. Last evaluated: 2024-03-06. Review status: criteria provided, single submitter. Criteria: ACMG Guidelines, 2015. Collection method: clinical testing. Allele origin: germline.
Comment: This missense variant replaces serine with asparagine at codon 2752 of the FBN1 protein. Computational prediction suggests that this variant may not impact protein structure and function (internally defined REVEL score threshold <= 0.5, PMID: 27666373). To our knowledge, functional studies have not been reported for this variant. This variant has not been reported in individuals affected with cardiovascular disorders in the literature. This variant has not been identified in the general population by the Genome Aggregation Database (gnomAD). The available evidence is insufficient to determine the role of this variant in disease conclusively. Therefore, this variant is classified as a Variant of Uncertain Significance.

All of Us Research Program, National Institutes of Health
Classification: Uncertain significance for Marfan syndrome. Last evaluated: 2023-05-16. Review status: criteria provided, single submitter. Criteria: ACMG Guidelines, 2015. Collection method: clinical testing. Allele origin: germline. Inheritance: Autosomal dominant inheritance. Observed: 1 variant allele, 1 heterozygote.
Comment: Variant of Uncertain Significance due to insufficient evidence: This missense variant replaces serine with asparagine at codon 2752 of the FBN1 protein. Computational prediction tools and conservation analyses suggest that this variant may not impact the protein function. Computational splicing tools suggest that this variant may not impact RNA splicing. To our knowledge, functional assays have not been performed for this variant nor has this variant been reported in individuals affected with cardiovascular disorders in the literature. This variant is rare in the general population and has been identified in 0/277264 chromosomes by the Genome Aggregation Database (gnomAD). Available evidence is insufficient to determine the pathogenicity of this variant conclusively.

This study involves interpretation of variants in research participants for the purpose of population health screening. Participant phenotype was not available at the time of variant classification. Additional details can be found in publication PMID: 35346344, PMCID: PMC8962531

NM_000138.5(FBN1):c.8255G>A (p.Ser2752Asn)

Gene: FBN1 (fibrillin 1; minus strand). Cytogenetic location: 15q21.1.
Variant type: single nucleotide variant.
Coding change: c.8255G>A on transcript NM_000138.5 (MANE Select); coding-DNA position 8255, G replaced by A.
Protein change: p.Ser2752Asn; replaces serine 2752 with asparagine.
Molecular consequence: missense variant.
Genome position (GRCh38, 1-based): chr15:48,411,351, C>T on the plus strand (G>A on the coding strand, the complement: FBN1 is on the minus strand). VCF-style: chr15-48411351-C-T. GRCh37 (hg19) VCF-style: chr15-48703548-C-T.
Other names: short protein forms S2752N.
Identifiers: ClinVar variation 920087 (VCV000920087.6), dbSNP rs2042861973, ClinGen allele CA392320093.